The following is an entry in ClinVar:

ClinVar aggregate classification (germline): Uncertain significance. Review status: criteria provided, multiple submitters, no conflicts (2 of 4 stars). 2 submissions from 2 submitters: Uncertain significance (2). Last evaluated 2025-12-26.

Conditions:
Autoinflammatory syndrome. Identifiers: Orphanet 93665, MedGen C3890737, MONDO:0019751.
Psoriasis 2. Identifiers: MedGen C1864497, MONDO:0011269, OMIM 602723.
Pityriasis rubra pilaris (PRP). Also called: Pityriasis rubra pilaris--familial type. Identifiers: Orphanet 2897, MedGen C0032027, MONDO:0100017, OMIM 173200, MONDO:0008251.

Allele frequency attached by ClinVar (database versions not stated): gnomAD 0.00001; gnomAD exomes 0.00001 and 0.00002; TOPMed 0.00001; ExAC 0.00003.
gnomAD v4.1: 23 of 1,585,758 alleles (0.0015%); highest among the groups gnomAD compares: Middle Eastern, 0.033%; no homozygotes.

Submissions (2):

Labcorp Genetics (formerly Invitae), Labcorp
Classification: Uncertain significance for Pityriasis rubra pilaris; Psoriasis 2. Last evaluated: 2025-12-26. Review status: criteria provided, single submitter. Criteria: Invitae Variant Classification Sherloc (09022015). Collection method: clinical testing. Allele origin: germline.
Comment: This sequence change replaces glutamic acid, which is acidic and polar, with lysine, which is basic and polar, at codon 168 of the CARD14 protein (p.Glu168Lys). The frequency data for this variant in the population databases is considered unreliable, as metrics indicate poor data quality at this position in the gnomAD database. This missense change has been observed in individual(s) with psoriasis (PMID: 26203641). ClinVar contains an entry for this variant (Variation ID: 1694244). Invitae Evidence Modeling of protein sequence and biophysical properties (such as structural, functional, and spatial information, amino acid conservation, physicochemical variation, residue mobility, and thermodynamic stability) indicates that this missense variant is not expected to disrupt CARD14 protein function with a negative predictive value of 95%. In summary, the available evidence is currently insufficient to determine the role of this variant in disease. Therefore, it has been classified as a Variant of Uncertain Significance.

Genome Diagnostics Laboratory, The Hospital for Sick Children
Classification: Uncertain significance for Autoinflammatory syndrome. Last evaluated: 2016-12-12. Review status: criteria provided, single submitter. Criteria: ACMG Guidelines, 2015. Collection method: clinical testing. Allele origin: germline. Affected: yes.

Literature cited by the submitters: PubMed 26203641 (cited by Labcorp Genetics (formerly Invitae), Labcorp).

NM_001366385.1(CARD14):c.502G>A (p.Glu168Lys)

Gene: CARD14 (caspase recruitment domain family member 14; plus strand). Cytogenetic location: 17q25.3.
Variant type: single nucleotide variant.
Coding change: c.502G>A on transcript NM_001366385.1 (MANE Select); coding-DNA position 502, G replaced by A.
Protein change: p.Glu168Lys; replaces glutamic acid 168 with lysine.
Molecular consequence: missense variant. On other transcripts: non-coding transcript variant (1).
Genome position (GRCh38, 1-based): chr17:80,184,065, G>A. VCF-style: chr17-80184065-G-A. GRCh37 (hg19) VCF-style: chr17-78157864-G-A.
Other names: c.502G>A, p.Glu168Lys (NM_001257970.1, NM_024110.4); short protein forms E168K.
Identifiers: ClinVar variation 1694244 (VCV001694244.4), dbSNP rs752479739, ClinGen allele CA8816440.